The following is an entry in ClinVar:

ClinVar aggregate classification (germline): Pathogenic (1 of 4 stars; one submission).

gnomAD v4.1: 1 of 1,612,076 alleles (0.000062%); highest among the groups gnomAD compares: South Asian, 0.0011%; no homozygotes.

Submission:

Labcorp Genetics (formerly Invitae), Labcorp
Classification: Pathogenic. Last evaluated: 2023-06-15. Review status: criteria provided, single submitter. Criteria: Invitae Variant Classification Sherloc (09022015). Collection method: clinical testing. Allele origin: germline.
Comment: For these reasons, this variant has been classified as Pathogenic. ClinVar contains an entry for this variant (Variation ID: 1071119). This variant has not been reported in the literature in individuals affected with GNPTG-related conditions. This variant is not present in population databases (gnomAD no frequency). This sequence change creates a premature translational stop signal (p.Trp122*) in the GNPTG gene. It is expected to result in an absent or disrupted protein product. Loss-of-function variants in GNPTG are known to be pathogenic (PMID: 19370764, 20301784).

Literature cited by the submitters: PubMed 19370764; PubMed 20301784.

NM_032520.5(GNPTG):c.366G>A (p.Trp122Ter)

Gene: GNPTG (N-acetylglucosamine-1-phosphate transferase subunit gamma; plus strand). Cytogenetic location: 16p13.3.
Variant type: single nucleotide variant.
Coding change: c.366G>A on transcript NM_032520.5 (MANE Select); coding-DNA position 366, G replaced by A.
Protein change: p.Trp122Ter; replaces tryptophan 122 with a stop codon.
Molecular consequence: nonsense.
Genome position (GRCh38, 1-based): chr16:1,362,086, G>A. VCF-style: chr16-1362086-G-A. GRCh37 (hg19) VCF-style: chr16-1412087-G-A.
Other names: short protein forms W122*.
Identifiers: ClinVar variation 1071119 (VCV001071119.7), dbSNP rs757394606, ClinGen allele CA394187286.